The following is an entry in ClinVar:

NM_004525.3(LRP2):c.10012G>T (p.Ala3338Ser)

Gene: LRP2 (LDL receptor related protein 2; minus strand). Cytogenetic location: 2q31.1.
Variant type: single nucleotide variant.
Coding change: c.10012G>T on transcript NM_004525.3 (MANE Select); coding-DNA position 10012, G replaced by T.
Protein change: p.Ala3338Ser; replaces alanine 3338 with serine.
Molecular consequence: missense variant.
Genome position (GRCh38, 1-based): chr2:169,181,605, C>A on the plus strand (G>T on the coding strand, the complement: LRP2 is on the minus strand). VCF-style: chr2-169181605-C-A. GRCh37 (hg19) VCF-style: chr2-170038115-C-A.
Other names: short protein forms A3338S.
Identifiers: ClinVar variation 2058260 (VCV002058260.1), dbSNP rs1687434097, ClinGen allele CA349151420.
Genomic context (GRCh38, chr2:169,181,605, plus strand): 5'-CAGACTTGTTGGTTCCATCCATGCCTACTCTCCCAATGTATGCGCGGTGACCCCAGTCTG[C>A]CCAGTAGAGGTACCTGTCAGGGCAAACACAAAGGGTCAGTCCCTGATGCCAAAAGAAGTC-3'
Protein context (NP_004516.2, residues 3328-3348): LHPQYGYLYW[Ala3338Ser]DWGHRAYIGR

ClinVar aggregate classification (germline): Uncertain significance (1 of 4 stars; one submission).

Allele frequency attached by ClinVar (database versions not stated): gnomAD 0.00001; TOPMed below 0.00001.
gnomAD v4.1: 1 of 1,613,936 alleles (0.000062%); highest among the groups gnomAD compares: Non-Finnish European, 0.000085%; no homozygotes.

Submission:

Labcorp Genetics (formerly Invitae), Labcorp
Classification: Uncertain significance. Last evaluated: 2022-02-03. Review status: criteria provided, single submitter. Criteria: Invitae Variant Classification Sherloc (09022015). Collection method: clinical testing. Allele origin: germline.
Comment: This sequence change replaces alanine, which is neutral and non-polar, with serine, which is neutral and polar, at codon 3338 of the LRP2 protein (p.Ala3338Ser). This variant is not present in population databases (gnomAD no frequency). This variant has not been reported in the literature in individuals affected with LRP2-related conditions. Advanced modeling of protein sequence and biophysical properties (such as structural, functional, and spatial information, amino acid conservation, physicochemical variation, residue mobility, and thermodynamic stability) performed at Invitae indicates that this missense variant is not expected to disrupt LRP2 protein function. Algorithms developed to predict the effect of sequence changes on RNA splicing suggest that this variant may create or strengthen a splice site. In summary, the available evidence is currently insufficient to determine the role of this variant in disease. Therefore, it has been classified as a Variant of Uncertain Significance.